The following is an entry in ClinVar:

NM_003680.3(YARS1):c.-623G>A

Genes: S100PBP (S100P binding protein; plus strand), YARS1 (tyrosyl-tRNA synthetase 1; minus strand). Cytogenetic location: 1p35.1.
Variant type: single nucleotide variant.
Coding change: c.-623G>A on transcript NM_003680.3; 623 bases upstream of the start codon, G replaced by A.
Molecular consequence: intron variant (on NM_022753.4).
Genome position (GRCh38, 1-based): chr1:32,817,867, C>T on the plus strand (G>A on the coding strand, the complement: YARS1 is on the minus strand). VCF-style: chr1-32817867-C-T. GRCh37 (hg19) VCF-style: chr1-33283468-C-T.
Other names: c.-120+268C>T (NM_001256121.2); c.-120+178C>T (NM_022753.4).
Identifiers: ClinVar variation 876718 (VCV000876718.9), dbSNP rs59686477, ClinGen allele CA20297880.
Genomic context (GRCh38, chr1:32,817,867, plus strand): 5'-CCACGCCCTGCTGCGAGAAGGGCGCGTTCTAGCTCCTGAGGTGATGGCGAGGGAATGTCC[C>T]TGCCCCTCCACCTCCAAGTCGGCGGGCGACAGATGCCCCTCACCCCGCTGAGGAAAAGGG-3'

ClinVar aggregate classification (germline): Benign/Likely benign. Review status: criteria provided, multiple submitters, no conflicts (2 of 4 stars). 2 submissions from 2 submitters: Benign (1); Likely benign (1). Last evaluated 2018-10-25.

Conditions:
Charcot-Marie-Tooth disease dominant intermediate C (CMTDIC). Also called: CHARCOT-MARIE-TOOTH NEUROPATHY, DOMINANT INTERMEDIATE C. Identifiers: Orphanet 100045, MedGen C1842237, MONDO:0012012, OMIM 608323.

Allele frequency attached by ClinVar (database versions not stated): TOPMed 0.01443; gnomAD 0.01362 and 0.01434; 1000 Genomes Project 0.01757; 1000 Genomes Project 30x 0.01858.

Submissions (2):

GeneDx
Classification: Likely benign. Last evaluated: 2018-10-25. Review status: criteria provided, single submitter. Criteria: GeneDx Variant Classification Process June 2021. Collection method: clinical testing. Allele origin: germline. Affected: yes.

Illumina Laboratory Services, Illumina
Classification: Benign for Charcot-Marie-Tooth disease dominant intermediate C. Last evaluated: 2018-01-13. Review status: criteria provided, single submitter. Criteria: ICSL Variant Classification Criteria 13 December 2019. Collection method: clinical testing. Allele origin: germline.
Comment: This variant was observed in the ICSL laboratory as part of a predisposition screen in an ostensibly healthy population. It had not been previously curated by ICSL or reported in the Human Gene Mutation Database (HGMD: prior to June 1st, 2018), and was therefore a candidate for classification through an automated scoring system. Utilizing variant allele frequency, disease prevalence and penetrance estimates, and inheritance mode, an automated score was calculated to assess if this variant is too frequent to cause the disease. Based on the score and internal cut-off values, a variant classified as benign is not then subjected to further curation. The score for this variant resulted in a classification of benign for this disease.